The following is an entry in ClinVar:

ClinVar aggregate classification (germline): Benign (1 of 4 stars; one submission).

Allele frequency attached by ClinVar (database versions not stated): TOPMed 0.03157; gnomAD 0.03195 and 0.03225; 1000 Genomes Project 30x 0.03498; 1000 Genomes Project 0.03574.
gnomAD v4.1: 4,949 of 151,808 alleles (3.3%); highest among the groups gnomAD compares: South Asian, 6.8%; 114 homozygotes.

Submission:

GeneDx
Classification: Benign. Last evaluated: 2018-06-14. Review status: criteria provided, single submitter. Criteria: GeneDx Variant Classification (06012015). Collection method: clinical testing. Allele origin: germline. Affected: yes.
Comment: This variant is considered likely benign or benign based on one or more of the following criteria: it is a conservative change, it occurs at a poorly conserved position in the protein, it is predicted to be benign by multiple in silico algorithms, and/or has population frequency not consistent with disease.

NM_002474.3(MYH11):c.3506+275T>C

Gene: MYH11 (myosin heavy chain 11; minus strand). Cytogenetic location: 16p13.11.
Variant type: single nucleotide variant.
Coding change: c.3506+275T>C on transcript NM_002474.3 (MANE Select); 275 bases into the intron after coding-DNA position 3506, T replaced by C.
Molecular consequence: intron variant.
Genome position (GRCh38, 1-based): chr16:15,735,091, A>G on the plus strand (T>C on the coding strand, the complement: MYH11 is on the minus strand). VCF-style: chr16-15735091-A-G. GRCh37 (hg19) VCF-style: chr16-15828948-A-G.
Other names: c.3506+275T>C (NM_022844.3); c.3527+275T>C (NM_001040114.2, NM_001040113.2).
Identifiers: ClinVar variation 680706 (VCV000680706.1), dbSNP rs80225998, ClinGen allele CA14262650.
Genomic context (GRCh38, chr16:15,735,091, plus strand): 5'-TAGCCGGGTGTGGTGGCACATACCTGTAATCCCAGCTACTCAGGAGGCTGAGGCATGAGA[A>G]TCGCTTAAATCTCAGAGGTGGAGGTTGCAGTGAGCCAAGATGGCACAACTGCACTCCAGC-3'